The following is an entry in ClinVar:

ClinVar aggregate classification (germline): Likely benign. Review status: criteria provided, multiple submitters, no conflicts (2 of 4 stars). 2 submissions from 2 submitters: Likely benign (2). Last evaluated 2022-08-31.

Allele frequency attached by ClinVar (database versions not stated): gnomAD exomes 0.00001.
gnomAD v4.1: 8 of 1,569,456 alleles (0.00051%); highest among the groups gnomAD compares: East Asian, 0.019%; no homozygotes.

Submissions (2):

Labcorp Genetics (formerly Invitae), Labcorp
Classification: Likely benign. Last evaluated: 2022-08-31. Review status: criteria provided, single submitter. Criteria: Invitae Variant Classification Sherloc (09022015). Collection method: clinical testing. Allele origin: germline.

Laboratory for Molecular Medicine, Mass General Brigham Personalized Medicine
Classification: Likely benign. Last evaluated: 2015-05-07. Review status: criteria provided, single submitter. Criteria: LMM Criteria. Collection method: clinical testing. Allele origin: germline. Observed: 1 variant allele.
Comment: p.Ile4218Ile in exon 62 of GPR98: This variant is not expected to have clinical significance because it does not alter an amino acid residue and is not located within the splice consensus sequence.

NM_032119.4(ADGRV1):c.12654T>C (p.Ile4218=)

Gene: ADGRV1 (adhesion G protein-coupled receptor V1; plus strand). Cytogenetic location: 5q14.3.
Variant type: single nucleotide variant.
Coding change: c.12654T>C on transcript NM_032119.4 (MANE Select); coding-DNA position 12654, T replaced by C.
Protein change: p.Ile4218=; no amino-acid change (isoleucine 4218 retained).
Molecular consequence: synonymous variant. On other transcripts: non-coding transcript variant (1).
Genome position (GRCh38, 1-based): chr5:90,778,031, T>C. VCF-style: chr5-90778031-T-C. GRCh37 (hg19) VCF-style: chr5-90073848-T-C.
Identifiers: ClinVar variation 227391 (VCV000227391.12), dbSNP rs876657470, ClinGen allele CA10576670.
Genomic context (GRCh38, chr5:90,778,031, plus strand): 5'-GGGGGAATTTGCTGAAACATCAGGAAAACTGACAATGCGAGACGAACAGTCTGCAGTCAT[T>C]GTAGTAATACAGGTATCAATATTAGCTGGTTTCTTTTATGCCCTTTACTCTCTGTGCTGG-3'
Protein context (NP_115495.3, residues 4208-4228): LTMRDEQSAV[Ile4218=]VVIQALNDDI